The following is an entry in ClinVar:

ClinVar aggregate classification (germline): Benign (1 of 4 stars; one submission).

Allele frequency attached by ClinVar (database versions not stated): 1000 Genomes Project 0.00619; 1000 Genomes Project 30x 0.00656; TOPMed 0.00749.

Submission:

CeGaT Center for Human Genetics Tuebingen
Classification: Benign. Last evaluated: 2026-08-01. Review status: criteria provided, single submitter. Criteria: CeGaT Center For Human Genetics Tuebingen Variant Classification Criteria Version 2. Collection method: clinical testing. Allele origin: germline. Affected: yes. Observed: 11 variant alleles.
Comment: MKRN3: BS1, BS2

NC_000015.10:g.23564798C>T

Gene: MKRN3 (makorin ring finger protein 3; plus strand). Cytogenetic location: 15q11.2.
Variant type: single nucleotide variant.
Genome position: GRCh38 VCF-style: chr15-23564798-C-T. GRCh37 (hg19) VCF-style: chr15-23809945-C-T.
Identifiers: ClinVar variation 3026156 (VCV003026156.22), dbSNP rs74005577, ClinGen allele CA267639081.